The following is an entry in ClinVar:

NM_000548.5(TSC2):c.4494-9C>T

Gene: TSC2 (TSC complex subunit 2; plus strand). Cytogenetic location: 16p13.3.
Variant type: single nucleotide variant.
Coding change: c.4494-9C>T on transcript NM_000548.5 (MANE Select); 9 bases into the intron before coding-DNA position 4494, C replaced by T.
Molecular consequence: intron variant.
Genome position (GRCh38, 1-based): chr16:2,084,942, C>T. VCF-style: chr16-2084942-C-T. GRCh37 (hg19) VCF-style: chr16-2134943-C-T.
Other names: c.4275-9C>T (NM_001406676.1); c.4149-9C>T (NM_001318829.2); c.4146-9C>T (NM_001406679.1); c.3696-9C>T (NM_001406686.1, NM_001406685.1); c.4326-9C>T (NM_001318832.2); c.2952-9C>T (NM_001406693.1, NM_001406692.1, NM_001406694.1); c.4386-9C>T (NM_001406667.1); c.4383-9C>T (NM_001406668.1); and 26 more.
Identifiers: ClinVar variation 3641647 (VCV003641647.3).

ClinVar aggregate classification (germline): Likely benign. Review status: criteria provided, multiple submitters, no conflicts (2 of 4 stars). 2 submissions from 2 submitters: Likely benign (2). Last evaluated 2025-06-03.

Conditions:
Tuberous sclerosis 2 (TSC2). Identifiers: Orphanet 805, MedGen C1860707, MONDO:0013199, OMIM 613254.

Submissions (2):

Myriad Genetics, Inc.
Classification: Likely benign for Tuberous sclerosis 2. Last evaluated: 2025-06-03. Review status: criteria provided, single submitter. Criteria: Myriad Autosomal Dominant, Autosomal Recessive and X-Linked Classification Criteria (2023). Collection method: clinical testing. Allele origin: unknown.
Comment: This variant is considered likely benign. This variant is intronic and is not expected to impact mRNA splicing.

Labcorp Genetics (formerly Invitae), Labcorp
Classification: Likely benign for Tuberous sclerosis 2. Last evaluated: 2025-04-10. Review status: criteria provided, single submitter. Criteria: Invitae Variant Classification Sherloc (09022015). Collection method: clinical testing. Allele origin: germline.